The following is an entry in ClinVar:

NM_000237.3(LPL):c.249G>A (p.Thr83=)

Gene: LPL (lipoprotein lipase; plus strand). Cytogenetic location: 8p21.3.
Variant type: single nucleotide variant.
Coding change: c.249G>A on transcript NM_000237.3 (MANE Select); coding-DNA position 249, G replaced by A.
Protein change: p.Thr83=; no amino-acid change (threonine 83 retained).
Molecular consequence: synonymous variant.
Genome position (GRCh38, 1-based): chr8:19,948,340, G>A. VCF-style: chr8-19948340-G-A. GRCh37 (hg19) VCF-style: chr8-19805851-G-A.
Identifiers: ClinVar variation 908635 (VCV000908635.5), dbSNP rs544872445, ClinGen allele CA4655346.

ClinVar aggregate classification (germline): Uncertain significance. Review status: criteria provided, multiple submitters, no conflicts (2 of 4 stars). 2 submissions from 2 submitters: Uncertain significance (2). Last evaluated 2023-11-01.

Conditions:
Hyperlipoproteinemia, type I. Also called: HYPERLIPOPROTEINEMIA, TYPE IA; LPL DEFICIENCY; Lipoprotein Lipase Deficiency; Hyperlipoproteinemia type 1; Hyperchylomicro-nemia familial; Familial chylomicronemia. Identifiers: Orphanet 309015, Orphanet 444490, MedGen C0023817, MONDO:0009387, OMIM 238600. Disease mechanism: loss of function.
Cardiovascular phenotype. Identifiers: MedGen CN230736.

Allele frequency attached by ClinVar (database versions not stated): TOPMed 0.00002; 1000 Genomes Project 30x 0.00016; ExAC 0.00016; gnomAD 0.00004 and 0.00002; 1000 Genomes Project 0.00020; gnomAD exomes 0.00010.
gnomAD v4.1: 63 of 1,613,716 alleles (0.0039%); highest among the groups gnomAD compares: South Asian, 0.053%; no homozygotes.

Submissions (2):

Ambry Genetics
Classification: Uncertain significance for Cardiovascular phenotype. Last evaluated: 2023-11-01. Review status: criteria provided, single submitter. Criteria: Ambry Variant Classification Scheme 2023. Collection method: clinical testing. Allele origin: germline.
Comment: Occurs in the last base pair of the exon Based on insufficient or conflicting evidence, the clinical significance of this alteration remains unclear.

Illumina Laboratory Services, Illumina
Classification: Uncertain significance for Hyperlipoproteinemia, type I. Last evaluated: 2017-04-28. Review status: criteria provided, single submitter. Criteria: ICSL Variant Classification Criteria 13 December 2019. Collection method: clinical testing. Allele origin: germline.